The following is an entry in ClinVar:

NM_000036.3(AMPD1):c.881T>G (p.Phe294Cys)

Gene: AMPD1 (adenosine monophosphate deaminase 1; minus strand). Cytogenetic location: 1p13.2.
Variant type: single nucleotide variant.
Coding change: c.881T>G on transcript NM_000036.3 (MANE Select); coding-DNA position 881, T replaced by G.
Protein change: p.Phe294Cys; replaces phenylalanine 294 with cysteine.
Molecular consequence: missense variant.
Genome position (GRCh38, 1-based): chr1:114,679,595, A>C on the plus strand (T>G on the coding strand, the complement: AMPD1 is on the minus strand). VCF-style: chr1-114679595-A-C. GRCh37 (hg19) VCF-style: chr1-115222216-A-C.
Other names: c.869T>G, p.Phe290Cys (NM_001172626.2); short protein forms F327C, F290C, F294C.
Identifiers: ClinVar variation 639491 (VCV000639491.9), dbSNP rs763848203, ClinGen allele CA1020286.

ClinVar aggregate classification (germline): Uncertain significance. Review status: criteria provided, multiple submitters, no conflicts (2 of 4 stars). 2 submissions from 2 submitters: Uncertain significance (2). Last evaluated 2025-10-18.

Conditions:
Inborn genetic diseases. Identifiers: MedGen C0950123, MeSH D030342.
Muscle AMP deaminase deficiency (MMDD). Also called: AMPD1 DEFICIENCY; ADENOSINE MONOPHOSPHATE DEAMINASE-1 DEFICIENCY, MYOPATHY DUE TO; Myoadenylate deaminase deficiency, myopathy due to; Adenosine monophosphate deaminase 1 deficiency; AMP deaminase 1 deficiency; Adenosine Monophosphate Deaminase 1. Identifiers: Orphanet 45, MedGen C3714933, MONDO:0014220, OMIM 615511.

Allele frequency attached by ClinVar (database versions not stated): gnomAD exomes below 0.00001; ExAC 0.00001; gnomAD 0.00001 and 0.00002; TOPMed 0.00001.
gnomAD v4.1: 14 of 1,613,940 alleles (0.00087%); highest among the groups gnomAD compares: Non-Finnish European, 0.0011%; no homozygotes.

Submissions (2):

Ambry Genetics
Classification: Uncertain significance for Inborn genetic diseases. Last evaluated: 2025-10-18. Review status: criteria provided, single submitter. Criteria: Ambry Variant Classification Scheme 2023. Collection method: clinical testing. Allele origin: germline.

Labcorp Genetics (formerly Invitae), Labcorp
Classification: Uncertain significance for Muscle AMP deaminase deficiency. Last evaluated: 2025-02-17. Review status: criteria provided, single submitter. Criteria: Invitae Variant Classification Sherloc (09022015). Collection method: clinical testing. Allele origin: germline.
Comment: This sequence change replaces phenylalanine, which is neutral and non-polar, with cysteine, which is neutral and slightly polar, at codon 327 of the AMPD1 protein (p.Phe327Cys). This variant is present in population databases (rs763848203, gnomAD 0.0009%). This variant has not been reported in the literature in individuals affected with AMPD1-related conditions. ClinVar contains an entry for this variant (Variation ID: 639491). Invitae Evidence Modeling of protein sequence and biophysical properties (such as structural, functional, and spatial information, amino acid conservation, physicochemical variation, residue mobility, and thermodynamic stability) indicates that this missense variant is expected to disrupt AMPD1 protein function with a positive predictive value of 80%. In summary, the available evidence is currently insufficient to determine the role of this variant in disease. Therefore, it has been classified as a Variant of Uncertain Significance.